The following is an entry in ClinVar:

ClinVar aggregate classification (germline): Pathogenic. Review status: criteria provided, multiple submitters, no conflicts (2 of 4 stars). 3 submissions from 3 submitters: Pathogenic (3). Last evaluated 2025-04-09.

Conditions:
Retinitis pigmentosa 25 (RP25). Identifiers: Orphanet 791, MedGen C1864446, MONDO:0011272, OMIM 602772.

Submissions (3):

Myriad Genetics, Inc.
Classification: Pathogenic for Retinitis pigmentosa 25. Last evaluated: 2025-04-09. Review status: criteria provided, single submitter. Criteria: Myriad Autosomal Dominant, Autosomal Recessive and X-Linked Classification Criteria (2023). Collection method: clinical testing. Allele origin: unknown.
Comment: NM_001142800.1(EYS):c.2439C>A(C813*) is expected to be pathogenic in the context of retinitis pigmentosa, EYS-related. This variant is predicted to lead to an abnormal or absent protein product due to the creation of a premature termination codon in EYS, a gene where loss-of-function variants are known to be pathogenic. Please note: this variant was assessed in the context of healthy population screening.

Natera, Inc.
Classification: Pathogenic for Retinitis pigmentosa type 25. Last evaluated: 2024-11-04. Review status: criteria provided, single submitter. Criteria: Natera Variant Classification Schema (03/2026). Collection method: clinical testing. Allele origin: germline.
Comment: The c.2439C>A variant in EYS is a nonsense variant predicted to introduce a stop codon at amino acid 813. This variant is expected to result in nonsense mediated decay, truncation, or a dysfunctional protein product. This variant is rare in the general population with a frequency below the threshold expected for the associated phenotype(s). This variant has been observed in one or more individuals affected with the associated recessive disease, as either homozygous or compound heterozygous with a second variant (PMID: 37643323). Given the available evidence, this variant is classified as Pathogenic.

Labcorp Genetics (formerly Invitae), Labcorp
Classification: Pathogenic. Last evaluated: 2024-01-18. Review status: criteria provided, single submitter. Criteria: Invitae Variant Classification Sherloc (09022015). Collection method: clinical testing. Allele origin: germline.
Comment: This sequence change creates a premature translational stop signal (p.Cys813*) in the EYS gene. It is expected to result in an absent or disrupted protein product. Loss-of-function variants in EYS are known to be pathogenic (PMID: 18836446, 20333770). This variant is not present in population databases (gnomAD no frequency). This variant has not been reported in the literature in individuals affected with EYS-related conditions. ClinVar contains an entry for this variant (Variation ID: 1457494). For these reasons, this variant has been classified as Pathogenic.

Literature cited by the submitters: PubMed 37643323 (cited by Natera, Inc.); PubMed 18836446 (cited by Labcorp Genetics (formerly Invitae), Labcorp); PubMed 20333770 (cited by Labcorp Genetics (formerly Invitae), Labcorp).

NM_001142800.2(EYS):c.2439C>A (p.Cys813Ter)

Gene: EYS (EGF-like photoreceptor maintenance factor; minus strand). Cytogenetic location: 6q12.
Variant type: single nucleotide variant.
Coding change: c.2439C>A on transcript NM_001142800.2 (MANE Select); coding-DNA position 2439, C replaced by A.
Protein change: p.Cys813Ter; replaces cysteine 813 with a stop codon.
Molecular consequence: nonsense.
Genome position (GRCh38, 1-based): chr6:64,912,686, G>T on the plus strand (C>A on the coding strand, the complement: EYS is on the minus strand). VCF-style: chr6-64912686-G-T. GRCh37 (hg19) VCF-style: chr6-65622579-G-T.
Other names: c.2439C>A, p.Cys813Ter (NM_001292009.2); c.2439C>A (NM_001142800.1); short protein forms C813*.
Identifiers: ClinVar variation 1457494 (VCV001457494.8), dbSNP rs367546131, ClinGen allele CA364786518.